The following is an entry in ClinVar:

ClinVar aggregate classification (germline): Uncertain significance (1 of 4 stars; one submission).

Allele frequency attached by ClinVar (database versions not stated): gnomAD exomes 0.00001; ExAC 0.00002.
gnomAD v4.1: 5 of 1,584,150 alleles (0.00032%); highest among the groups gnomAD compares: East Asian, 0.0023%; no homozygotes.

Submission:

Labcorp Genetics (formerly Invitae), Labcorp
Classification: Uncertain significance. Last evaluated: 2024-12-02. Review status: criteria provided, single submitter. Criteria: Invitae Variant Classification Sherloc (09022015). Collection method: clinical testing. Allele origin: germline.
Comment: This sequence change replaces histidine, which is basic and polar, with tyrosine, which is neutral and polar, at codon 153 of the FSCN2 protein (p.His153Tyr). This variant is present in population databases (rs782694603, gnomAD 0.001%). This variant has not been reported in the literature in individuals affected with FSCN2-related conditions. ClinVar contains an entry for this variant (Variation ID: 1396392). An algorithm developed to predict the effect of missense changes on protein structure and function (PolyPhen-2) suggests that this variant is likely to be disruptive. In summary, the available evidence is currently insufficient to determine the role of this variant in disease. Therefore, it has been classified as a Variant of Uncertain Significance.

NM_012418.4(FSCN2):c.457C>T (p.His153Tyr)

Gene: FSCN2 (fascin actin-bundling protein 2, retinal; plus strand). Cytogenetic location: 17q25.3.
Variant type: single nucleotide variant.
Coding change: c.457C>T on transcript NM_012418.4 (MANE Select); coding-DNA position 457, C replaced by T.
Protein change: p.His153Tyr; replaces histidine 153 with tyrosine.
Molecular consequence: missense variant.
Genome position (GRCh38, 1-based): chr17:81,528,988, C>T. VCF-style: chr17-81528988-C-T. GRCh37 (hg19) VCF-style: chr17-79496014-C-T.
Other names: c.457C>T, p.His153Tyr (NM_001077182.3); short protein forms H153Y.
Identifiers: ClinVar variation 1396392 (VCV001396392.8), dbSNP rs782694603, ClinGen allele CA8836686.